The following is an entry in ClinVar:

ClinVar aggregate classification (germline): Uncertain significance. Review status: criteria provided, multiple submitters, no conflicts (2 of 4 stars). 2 submissions from 2 submitters: Uncertain significance (2). Last evaluated 2025-02-02.

Conditions:
Emery-Dreifuss muscular dystrophy 5, autosomal dominant (EDMD5). Also called: EMERY-DREIFUSS MUSCULAR DYSTROPHY 5. Identifiers: Orphanet 261, MedGen C2751805, MONDO:0013072, OMIM 612999.

gnomAD v4.1: 2 of 1,613,022 alleles (0.00012%); highest among the groups gnomAD compares: Non-Finnish European, 0.00017%; no homozygotes.

Submissions (2):

Ambry Genetics
Classification: Uncertain significance. Last evaluated: 2025-02-02. Review status: criteria provided, single submitter. Criteria: Ambry Variant Classification Scheme 2023. Collection method: clinical testing. Allele origin: germline.

Labcorp Genetics (formerly Invitae), Labcorp
Classification: Uncertain significance for Emery-Dreifuss muscular dystrophy 5, autosomal dominant. Last evaluated: 2025-01-07. Review status: criteria provided, single submitter. Criteria: Invitae Variant Classification Sherloc (09022015). Collection method: clinical testing. Allele origin: germline.
Comment: This sequence change replaces lysine, which is basic and polar, with arginine, which is basic and polar, at codon 5194 of the SYNE2 protein (p.Lys5194Arg). This variant is not present in population databases (gnomAD no frequency). This variant has not been reported in the literature in individuals affected with SYNE2-related conditions. An algorithm developed to predict the effect of missense changes on protein structure and function outputs the following: PolyPhen-2: "Benign". The arginine amino acid residue is found in multiple mammalian species, which suggests that this missense change does not adversely affect protein function. In summary, the available evidence is currently insufficient to determine the role of this variant in disease. Therefore, it has been classified as a Variant of Uncertain Significance.

NM_182914.3(SYNE2):c.15581A>G (p.Lys5194Arg)

Gene: SYNE2 (spectrin repeat containing nuclear envelope protein 2; plus strand). Cytogenetic location: 14q23.2.
Variant type: single nucleotide variant.
Coding change: c.15581A>G on transcript NM_182914.3 (MANE Select); coding-DNA position 15581, A replaced by G.
Protein change: p.Lys5194Arg; replaces lysine 5194 with arginine.
Molecular consequence: missense variant.
Genome position (GRCh38, 1-based): chr14:64,146,165, A>G. VCF-style: chr14-64146165-A-G. GRCh37 (hg19) VCF-style: chr14-64612883-A-G.
Other names: c.15581A>G (NM_182914.2); c.15581A>G, p.Lys5194Arg (NM_015180.6); short protein forms K5194R.
Identifiers: ClinVar variation 3610488 (VCV003610488.3).